The following is an entry in ClinVar:

ClinVar aggregate classification (germline): Likely pathogenic (1 of 4 stars; one submission).

Submission:

Labcorp Genetics (formerly Invitae), Labcorp
Classification: Likely pathogenic. Last evaluated: 2023-01-07. Review status: criteria provided, single submitter. Criteria: Invitae Variant Classification Sherloc (09022015). Collection method: clinical testing. Allele origin: unknown.
Comment: In summary, the currently available evidence indicates that the variant is pathogenic, but additional data are needed to prove that conclusively. Therefore, this variant has been classified as Likely Pathogenic. This variant has not been reported in the literature in individuals affected with EYS-related conditions. This variant results in a copy number gain of the genomic region encompassing exon(s) 7 of the EYS gene. While the exact position of this variant cannot be determined from the data, sub-genic copy number gains are generally in tandem (PMID: 25640679). This variant is predicted to be out-of-frame, and may result in an absent or disrupted protein product. Loss-of-function variants in EYS are known to be pathogenic (PMID: 18836446, 20333770).

Literature cited by the submitters: PubMed 25640679; PubMed 18836446; PubMed 20333770.

NC_000006.11:g.(?_66112351)_(66112518_?)dup

Gene: EYS (eyes shut homolog; minus strand). Cytogenetic location: 6q12.
Variant type: Duplication.
Identifiers: ClinVar variation 3246136 (VCV003246136.1).